The following is an entry in ClinVar:

ClinVar aggregate classification (germline): Pathogenic (1 of 4 stars; one submission).

Submission:

Clinical Genomics Laboratory, Laboratory for Precision Diagnostics, University of Washington
Classification: Pathogenic. Last evaluated: 2025-01-13. Review status: criteria provided, single submitter. Criteria: ACMG/ClinGen CNV Guidelines, 2019. Collection method: clinical testing. Allele origin: unknown. Affected: yes. Observed: 1 variant allele.
Comment: This terminal deletion of the short arm of chromosome 5 is approximately 9.66 Mb in size and contains 41 protein-coding genes. It encompasses nearly all of the critical region that causes cri du chat syndrome. The gene content and size of the deletion generally influence the severity of the syndrome (PMID: 11238681;PMID: 34394178). The evidence suggests that the deletion found in this fetus is typically associated with fetal growth restriction, the characteristic high-pitched cry, microcephaly, speech and language delays, and mild intellectual disability. The features of cri du chat can vary among people with the same deletion (summarized in PMID: 26235846). This deletion encompasses SDHA (OMIM 800857). Constitutional heterozygous loss of function variants of SDHA are associated with an increased risk of paragangliomas and pheochromocytomas tumors within multiple organ systems, but penetrance is low, ranging from 0.1-4.9% (PMID: 29978154).

Literature cited by the submitters: PubMed 11238681; PubMed 35911393; PubMed 26235846; PubMed 34394178; PubMed 29978154.

GRCh38/hg38 5p15.33-15.31(chr5:38141-9695731)x1

Genes: ADAMTS16 (ADAM metallopeptidase with thrombospondin type 1 motif 16; plus strand), ADAMTS16-AS1 (ADAMTS16 antisense RNA 1; minus strand), ADAMTS16-DT (ADAMTS16 divergent transcript; minus strand), ADCY2 (adenylate cyclase 2; plus strand), AHRR (aryl hydrocarbon receptor repressor; plus strand) and 311 more. Cytogenetic location: 5p15.33-15.31.
Variant type: copy number loss.
Change: copy number 1 (one copy instead of two) of chr5:38,141-9,695,731 (9.66 Mb, GRCh38 coordinates, 1-based), cytogenetic band 5p15.33-15.31.
Identifiers: ClinVar variation 4974712 (VCV004974712.1).